The following is an entry in ClinVar:

NM_000138.5(FBN1):c.8582A>T (p.Asn2861Ile)

Gene: FBN1 (fibrillin 1; minus strand). Cytogenetic location: 15q21.1.
Variant type: single nucleotide variant.
Coding change: c.8582A>T on transcript NM_000138.5 (MANE Select); coding-DNA position 8582, A replaced by T.
Protein change: p.Asn2861Ile; replaces asparagine 2861 with isoleucine.
Molecular consequence: missense variant.
Genome position (GRCh38, 1-based): chr15:48,411,024, T>A on the plus strand (A>T on the coding strand, the complement: FBN1 is on the minus strand). VCF-style: chr15-48411024-T-A. GRCh37 (hg19) VCF-style: chr15-48703221-T-A.
Other names: short protein forms N2861I.
Identifiers: ClinVar variation 495660 (VCV000495660.9), dbSNP rs747213800, ClinGen allele CA392318457.

ClinVar aggregate classification (germline): Conflicting classifications of pathogenicity. Review status: criteria provided, conflicting classifications (1 of 4 stars). 4 submissions from 4 submitters: Uncertain significance (3); Likely benign (1). Last evaluated 2026-07-28.

Conditions:
Marfan syndrome (MFS). Also called: FBN1-Related Marfan Syndrome; Marfan's syndrome; MARFAN SYNDROME, TYPE I; Marfan syndrome, classic; Marfan syndrome type 1. Identifiers: Orphanet 284963, Orphanet 558, MedGen C0024796, MONDO:0007947, OMIM 154700.
Familial thoracic aortic aneurysm and aortic dissection (TAAD). Also called: Thoracic aortic aneurysms and dissections. Identifiers: Orphanet 91387, MedGen C4707243, MONDO:0019625.

Allele frequency attached by ClinVar (database versions not stated): gnomAD exomes 0.00001; TOPMed 0.00002.
gnomAD v4.1: 13 of 1,613,828 alleles (0.00081%); highest among the groups gnomAD compares: Middle Eastern, 0.017%; no homozygotes.

Submissions (4):

Ambry Genetics
Classification: Uncertain significance for Familial thoracic aortic aneurysm and aortic dissection. Last evaluated: 2026-07-28. Review status: criteria provided, single submitter. Criteria: Ambry Variant Classification Scheme 2023. Collection method: clinical testing. Allele origin: germline.

Labcorp Genetics (formerly Invitae), Labcorp
Classification: Likely benign for Marfan syndrome; Familial thoracic aortic aneurysm and aortic dissection. Last evaluated: 2025-09-10. Review status: criteria provided, single submitter. Criteria: Invitae Variant Classification Sherloc (09022015). Collection method: clinical testing. Allele origin: germline.

All of Us Research Program, National Institutes of Health
Classification: Uncertain significance for Marfan syndrome. Last evaluated: 2024-04-25. Review status: criteria provided, single submitter. Criteria: ACMG Guidelines, 2015. Collection method: clinical testing. Allele origin: germline. Inheritance: Autosomal dominant inheritance. Observed: 6 variant alleles, 6 heterozygotes.
Comment: This missense variant replaces asparagine with isoleucine at codon 2861 of the FBN1 protein. Computational prediction suggests that this variant may not impact protein structure and function (internally defined REVEL score threshold <= 0.5, PMID: 27666373). To our knowledge, functional studies have not been reported for this variant. This variant has not been reported in individuals affected with FBN1-related disorders in the literature. This variant has been identified in 1/251126 chromosomes in the general population by the Genome Aggregation Database (gnomAD). The available evidence is insufficient to determine the role of this variant in disease conclusively. Therefore, this variant is classified as a Variant of Uncertain Significance.

This study involves interpretation of variants in research participants for the purpose of population health screening. Participant phenotype was not available at the time of variant classification. Additional details can be found in publication PMID: 35346344, PMCID: PMC8962531

Women's Health and Genetics/Laboratory Corporation of America, LabCorp
Classification: Uncertain significance. Last evaluated: 2017-02-07. Review status: criteria provided, single submitter. Criteria: LabCorp Variant Classification Summary - May 2015. Collection method: clinical testing. Allele origin: germline.
Comment: Variant summary: The FBN1 c.8582A>T (p.Asn2861Ile) variant involves the alteration of a non-conserved nucleotide. 2/3 in silico tools predict a benign outcome for this variant (SNPs&GO and Mutation Taster not captured due to low reliability index/p-value). This variant is absent in 120816 control chromosomes. The variant of interest has not, to our knowledge, been reported in affected individuals via publications and/or reputable databases/clinical diagnostic laboratories; nor evaluated for functional impact by in vivo/vitro studies. Because of the absence of clinical information and the lack of functional studies, the variant is classified as a variant of uncertain significance (VUS) until additional information becomes available.